The following is an entry in ClinVar:

NM_001004334.4(GPR179):c.2320A>T (p.Thr774Ser)

Gene: GPR179 (G protein-coupled receptor 179; minus strand). Cytogenetic location: 17q12.
Variant type: single nucleotide variant.
Coding change: c.2320A>T on transcript NM_001004334.4 (MANE Select); coding-DNA position 2320, A replaced by T.
Protein change: p.Thr774Ser; replaces threonine 774 with serine.
Molecular consequence: missense variant.
Genome position (GRCh38, 1-based): chr17:38,331,249, T>A on the plus strand (A>T on the coding strand, the complement: GPR179 is on the minus strand). VCF-style: chr17-38331249-T-A. GRCh37 (hg19) VCF-style: chr17-36487132-T-A.
Other names: short protein forms T774S.
Identifiers: ClinVar variation 1906218 (VCV001906218.6), dbSNP rs375465705, ClinGen allele CA290105946.
Genomic context (GRCh38, chr17:38,331,249, plus strand): 5'-GCTTCCTCCTCAGCAGTGAGTCAAGAAGAGGCGGGTCCTGCTCCCTGCGCTGGTCATAGG[T>A]GCTGCGGGACTTGTGCAGAGCTGGTGTCCCCTCGGGTTCCTGGAGGCTGGAGCTGAGGAG-3'
Protein context (NP_001004334.3, residues 764-784): GTPALHKSRS[Thr774Ser]YDQRREQDPP

ClinVar aggregate classification (germline): Uncertain significance. Review status: criteria provided, multiple submitters, no conflicts (2 of 4 stars). 2 submissions from 2 submitters: Uncertain significance (2). Last evaluated 2022-11-28.

Conditions:
Inborn genetic diseases. Identifiers: MedGen C0950123, MeSH D030342.

Allele frequency attached by ClinVar (database versions not stated): gnomAD exomes below 0.00001; gnomAD 0.00001; TOPMed 0.00005; ESP Exome Variant Server 0.00008.
gnomAD v4.1: 7 of 1,587,786 alleles (0.00044%); highest among the groups gnomAD compares: African/African-American, 0.008%; no homozygotes.

Submissions (2):

Labcorp Genetics (formerly Invitae), Labcorp
Classification: Uncertain significance. Last evaluated: 2022-11-28. Review status: criteria provided, single submitter. Criteria: Invitae Variant Classification Sherloc (09022015). Collection method: clinical testing. Allele origin: germline.
Comment: In summary, the available evidence is currently insufficient to determine the role of this variant in disease. Therefore, it has been classified as a Variant of Uncertain Significance. Algorithms developed to predict the effect of missense changes on protein structure and function output the following: SIFT: "Deleterious"; PolyPhen-2: "Possibly Damaging"; Align-GVGD: "Class C0". The serine amino acid residue is found in multiple mammalian species, which suggests that this missense change does not adversely affect protein function. This variant has not been reported in the literature in individuals affected with GPR179-related conditions. The frequency data for this variant in the population databases is considered unreliable, as metrics indicate poor data quality at this position in the gnomAD database. This sequence change replaces threonine, which is neutral and polar, with serine, which is neutral and polar, at codon 774 of the GPR179 protein (p.Thr774Ser).

Ambry Genetics
Classification: Uncertain significance for Inborn genetic diseases. Last evaluated: 2021-10-14. Review status: criteria provided, single submitter. Criteria: Ambry Variant Classification Scheme 2023. Collection method: clinical testing. Allele origin: germline.